The following is an entry in ClinVar:

NM_004444.5(EPHB4):c.2654A>G (p.Lys885Arg)

Genes: EPHB4 (EPH receptor B4; minus strand), LOC126860124 (CDK7 strongly-dependent group 2 enhancer GRCh37_chr7:100403701-100404900; plus strand). Cytogenetic location: 7q22.1.
Variant type: single nucleotide variant.
Coding change: c.2654A>G on transcript NM_004444.5 (MANE Select); coding-DNA position 2654, A replaced by G.
Protein change: p.Lys885Arg; replaces lysine 885 with arginine.
Molecular consequence: missense variant.
Genome position (GRCh38, 1-based): chr7:100,805,525, T>C on the plus strand (A>G on the coding strand, the complement: EPHB4 is on the minus strand). VCF-style: chr7-100805525-T-C. GRCh37 (hg19) VCF-style: chr7-100403147-T-C.
Other names: short protein forms K885R.
Identifiers: ClinVar variation 3233740 (VCV003233740.2), dbSNP rs2484997570, ClinGen allele CA368566813.

ClinVar aggregate classification (germline): Uncertain significance (1 of 4 stars; one submission).

Submission:

Women's Health and Genetics/Laboratory Corporation of America, LabCorp
Classification: Uncertain significance. Last evaluated: 2024-03-27. Review status: criteria provided, single submitter. Criteria: LabCorp Variant Classification Summary - May 2015. Collection method: clinical testing. Allele origin: germline.
Comment: Variant summary: EPHB4 c.2654A>G (p.Lys885Arg) results in a conservative amino acid change located in the Protein kinase domain (IPR000719) of the encoded protein sequence. Three of five in-silico tools predict a benign effect of the variant on protein function. The variant was absent in 182612 control chromosomes. The available data on variant occurrences in the general population are insufficient to allow any conclusion about variant significance. To our knowledge, no occurrence of c.2654A>G in individuals affected with Capillary Malformation-Arteriovenous Malformation 2 and no experimental evidence demonstrating its impact on protein function have been reported. No submitters have cited clinical-significance assessments for this variant to ClinVar. Based on the evidence outlined above, the variant was classified as uncertain significance.